The following is an entry in ClinVar:

ClinVar aggregate classification (germline): Uncertain significance (1 of 4 stars; one submission).

Allele frequency attached by ClinVar (database versions not stated): ExAC 0.00002; gnomAD exomes 0.00002; ESP Exome Variant Server 0.00008.
gnomAD v4.1: 36 of 1,613,024 alleles (0.0022%); highest among the groups gnomAD compares: South Asian, 0.0044%; no homozygotes.

Submission:

Labcorp Genetics (formerly Invitae), Labcorp
Classification: Uncertain significance. Last evaluated: 2022-05-25. Review status: criteria provided, single submitter. Criteria: Invitae Variant Classification Sherloc (09022015). Collection method: clinical testing. Allele origin: germline.
Comment: In summary, the available evidence is currently insufficient to determine the role of this variant in disease. Therefore, it has been classified as a Variant of Uncertain Significance. Algorithms developed to predict the effect of missense changes on protein structure and function are either unavailable or do not agree on the potential impact of this missense change (SIFT: "Tolerated"; PolyPhen-2: "Probably Damaging"; Align-GVGD: "Class C0"). This missense change has been observed in individual(s) with sponastrime dysplasia (PMID: 30773278). In at least one individual the data is consistent with being in trans (on the opposite chromosome) from a pathogenic variant. This variant is present in population databases (rs370196996, gnomAD 0.005%). This sequence change replaces glutamic acid, which is acidic and polar, with lysine, which is basic and polar, at codon 539 of the TONSL protein (p.Glu539Lys).

Literature cited by the submitters: PubMed 30773278.

NM_013432.5(TONSL):c.1615G>A (p.Glu539Lys)

Genes: TONSL (tonsoku like, DNA repair protein; minus strand), TONSL-AS1 (TONSL antisense RNA 1; plus strand). Cytogenetic location: 8q24.3.
Variant type: single nucleotide variant.
Coding change: c.1615G>A on transcript NM_013432.5 (MANE Select); coding-DNA position 1615, G replaced by A.
Protein change: p.Glu539Lys; replaces glutamic acid 539 with lysine.
Molecular consequence: missense variant.
Genome position (GRCh38, 1-based): chr8:144,438,509, C>T on the plus strand (G>A on the coding strand, the complement: TONSL is on the minus strand). VCF-style: chr8-144438509-C-T. GRCh37 (hg19) VCF-style: chr8-145663892-C-T.
Other names: short protein forms E539K.
Identifiers: ClinVar variation 1482997 (VCV001482997.6), dbSNP rs370196996, ClinGen allele CA4943143.